The following is an entry in ClinVar:

ClinVar aggregate classification (germline): Uncertain significance (1 of 4 stars; one submission).

Conditions:
Postaxial polydactyly-anterior pituitary anomalies-facial dysmorphism syndrome. Also called: Culler-Jones syndrome. Identifiers: Orphanet 420584, MedGen C4014479, MONDO:0014369, OMIM 615849.
Holoprosencephaly 9 (HPE9). Also called: PITUITARY ANOMALIES WITH HOLOPROSENCEPHALY-LIKE FEATURES; HOLOPROSENCEPHALY WITH MICROPHTHALMIA AND FIRST BRANCHIAL ARCH ANOMALIES. Identifiers: Orphanet 2162, MedGen C1835819, MONDO:0012563, OMIM 610829.

Submission:

Labcorp Genetics (formerly Invitae), Labcorp
Classification: Uncertain significance for Postaxial polydactyly-anterior pituitary anomalies-facial dysmorphism syndrome; Holoprosencephaly 9. Last evaluated: 2024-11-05. Review status: criteria provided, single submitter. Criteria: Invitae Variant Classification Sherloc (09022015). Collection method: clinical testing. Allele origin: germline.
Comment: This sequence change replaces proline, which is neutral and non-polar, with leucine, which is neutral and non-polar, at codon 1313 of the GLI2 protein (p.Pro1313Leu). Information on the frequency of this variant in the gnomAD database is not available, as this variant may be reported differently in the database. This variant has not been reported in the literature in individuals affected with GLI2-related conditions. ClinVar contains an entry for this variant (Variation ID: 2946597). An algorithm developed to predict the effect of missense changes on protein structure and function (PolyPhen-2) suggests that this variant is likely to be tolerated. In summary, the available evidence is currently insufficient to determine the role of this variant in disease. Therefore, it has been classified as a Variant of Uncertain Significance.

NM_001374353.1(GLI2):c.3887_3888inv (p.Pro1296Leu)

Gene: GLI2 (GLI family zinc finger 2; plus strand). Cytogenetic location: 2q14.2.
Variant type: Inversion.
Coding change: c.3887_3888inv on transcript NM_001374353.1 (MANE Select).
Protein change: p.Pro1296Leu; replaces proline 1296 with leucine.
Molecular consequence: missense variant.
Genome position: GRCh38 VCF-style: chr2-120989852-CA-TG. GRCh37 (hg19) VCF-style: chr2-121747428-CA-TG.
Other names: c.3938_3939inv, p.Pro1313Leu (NM_001371271.1, NM_005270.5); c.3512_3513inv, p.Pro1171Leu (NM_001374354.1); short protein forms P1296L, P1313L, P1171L.
Identifiers: ClinVar variation 2946597 (VCV002946597.3), ClinGen allele CA2740095689.
Genomic context (GRCh38, chr2:120,989,852, plus strand): 5'-CCACGATGGGCAATCGCCACAGGGAACTTGGGGTCCCCGATTCAGCCCTGGCTGGAGTGC[CA>TG]CCACCTCACCCAGTCCAGAGCTACCCACAGCAGAGCCATCACCTGGCAGCCTCCATGAGC-3'
Protein context (NP_001361282.1, residues 1286-1306): GVPDSALAGV[Pro1296Leu]PPHPVQSYPQ